The following is an entry in ClinVar:

NM_032119.4(ADGRV1):c.357+5G>A

Gene: ADGRV1 (adhesion G protein-coupled receptor V1; plus strand). Cytogenetic location: 5q14.3.
Variant type: single nucleotide variant.
Coding change: c.357+5G>A on transcript NM_032119.4 (MANE Select); 5 bases into the intron after coding-DNA position 357, G replaced by A.
Molecular consequence: intron variant.
Genome position (GRCh38, 1-based): chr5:90,617,958, G>A. VCF-style: chr5-90617958-G-A. GRCh37 (hg19) VCF-style: chr5-89913775-G-A.
Identifiers: ClinVar variation 289835 (VCV000289835.12), dbSNP rs373929952, ClinGen allele CA3338439.

ClinVar aggregate classification (germline): Uncertain significance. Review status: criteria provided, multiple submitters, no conflicts (2 of 4 stars). 5 submissions from 5 submitters: Uncertain significance (5). Last evaluated 2026-03-05.

Allele frequency attached by ClinVar (database versions not stated): gnomAD exomes 0.00004; ExAC 0.00010; gnomAD 0.00018 and 0.00019; TOPMed 0.00021; ESP Exome Variant Server 0.00025.
gnomAD v4.1: 50 of 1,547,304 alleles (0.0032%); highest among the groups gnomAD compares: African/African-American, 0.055%; no homozygotes.

Submissions (5):

Women's Health and Genetics/Laboratory Corporation of America, LabCorp
Classification: Uncertain significance. Last evaluated: 2026-03-05. Review status: criteria provided, single submitter. Criteria: LabCorp Variant Classification Summary - May 2015. Collection method: clinical testing. Allele origin: germline.
Comment: Variant summary: ADGRV1 c.357+5G>A alters a nucleotide located close to a canonical splice site and therefore could affect mRNA splicing, leading to a significantly altered protein sequence. Several computational tools predict a significant impact on normal splicing: Four predict the variant weakens a 5' donor site. However, these predictions have yet to be confirmed by functional studies. The variant allele was found at a frequency of 3.7e-05 in 161870 control chromosomes. The available data on variant occurrences in the general population are insufficient to allow any conclusion about variant significance. To our knowledge, no occurrence of c.357+5G>A in individuals affected with ADGRV1-related conditions and no experimental evidence demonstrating its impact on protein function have been reported. ClinVar contains an entry for this variant (Variation ID: 289835). Based on the evidence outlined above, the variant was classified as uncertain significance.

GeneDx
Classification: Uncertain significance. Last evaluated: 2024-05-29. Review status: criteria provided, single submitter. Criteria: GeneDx Variant Classification Process June 2021. Collection method: clinical testing. Allele origin: germline. Affected: yes.
Comment: In silico analysis indicates that this variant does not alter splicing; Has not been previously published as pathogenic or benign to our knowledge

Labcorp Genetics (formerly Invitae), Labcorp
Classification: Uncertain significance. Last evaluated: 2022-11-01. Review status: criteria provided, single submitter. Criteria: Invitae Variant Classification Sherloc (09022015). Collection method: clinical testing. Allele origin: germline.
Comment: This sequence change falls in intron 3 of the ADGRV1 gene. It does not directly change the encoded amino acid sequence of the ADGRV1 protein. It affects a nucleotide within the consensus splice site. This variant is present in population databases (rs373929952, gnomAD 0.06%). This variant has not been reported in the literature in individuals affected with ADGRV1-related conditions. ClinVar contains an entry for this variant (Variation ID: 289835). Variants that disrupt the consensus splice site are a relatively common cause of aberrant splicing (PMID: 17576681, 9536098). Algorithms developed to predict the effect of sequence changes on RNA splicing suggest that this variant is not likely to affect RNA splicing. In summary, the available evidence is currently insufficient to determine the role of this variant in disease. Therefore, it has been classified as a Variant of Uncertain Significance.

Blueprint Genetics
Classification: Uncertain significance. Last evaluated: 2021-12-01. Review status: criteria provided, single submitter. Criteria: ACMG Guidelines, 2015. Collection method: clinical testing. Allele origin: germline.

Eurofins Ntd Llc (ga)
Classification: Uncertain significance. Last evaluated: 2016-08-17. Review status: criteria provided, single submitter. Criteria: EGL Classification Definitions 2015. Collection method: clinical testing. Allele origin: germline. Observed: 1 variant allele, 1 heterozygote.

Literature cited by the submitters: PubMed 17576681 (cited by Labcorp Genetics (formerly Invitae), Labcorp); PubMed 9536098 (cited by Labcorp Genetics (formerly Invitae), Labcorp).